The following is an entry in ClinVar:

ClinVar aggregate classification (germline): Uncertain significance (1 of 4 stars; one submission).

Submission:

Labcorp Genetics (formerly Invitae), Labcorp
Classification: Uncertain significance. Last evaluated: 2022-04-05. Review status: criteria provided, single submitter. Criteria: Invitae Variant Classification Sherloc (09022015). Collection method: clinical testing. Allele origin: germline.
Comment: In summary, the available evidence is currently insufficient to determine the role of this variant in disease. Therefore, it has been classified as a Variant of Uncertain Significance. This variant has not been reported in the literature in individuals affected with FBLN5-related conditions. This variant is present in population databases (rs763136937, gnomAD 0.003%). This variant, c.255_266dup, results in the insertion of 4 amino acid(s) of the FBLN5 protein (p.Thr86_Ser89dup), but otherwise preserves the integrity of the reading frame.

NM_006329.4(FBLN5):c.255_266dup (p.Ser89_Gly90insThrProTyrSer)

Gene: FBLN5 (fibulin 5; minus strand). Cytogenetic location: 14q32.12.
Variant type: Duplication.
Coding change: c.255_266dup on transcript NM_006329.4 (MANE Select); coding-DNA positions 255 to 266, 12 bases duplicated (GACCCCCTACTC).
Protein change: p.Ser89_Gly90insThrProTyrSer.
Molecular consequence: inframe insertion.
Genome position (GRCh38, 1-based): chr14:91,937,060-91,937,071, GAGTAGGGGGTC duplicated on the plus strand (GACCCCCTACTC on the coding strand, the reverse complement: FBLN5 is on the minus strand); duplicating any 12 consecutive bases within chr14:91,937,060-91,937,080 gives the same sequence; the c. name uses the placement nearest the transcript's 3' end. VCF-style (leftmost placement, unchanged base first): chr14-91937059-T-TGAGTAGGGGGTC. GRCh37 (hg19) VCF-style: chr14-92403403-T-TGAGTAGGGGGTC.
Other names: c.378_389dup, p.Ser130_Gly131insThrProTyrSer (NM_001384158.1); c.306_317dup, p.Ser106_Gly107insThrProTyrSer (NM_001384159.1); c.255_266dup, p.Ser89_Gly90insThrProTyrSer (NM_001384160.1); c.87_98dup, p.Ser33_Gly34insThrProTyrSer (NM_001384161.1, NM_001384162.1).
Identifiers: ClinVar variation 1928258 (VCV001928258.5), dbSNP rs763136937, ClinGen allele CA7312891.
Genomic context (GRCh38, chr14:91,937,059, plus strand): 5'-CCTGGAGATCGTGGGATAGTTTGGAGCTGAGAGTGGTGGGGCAGCTGCTGGGTACGGACC[T>TGAGTAGGGGGTC]GAGTAGGGGGTCGAGTAGGGGTTCGAGTAGGGCCCTCGATACACAGGGTTTGTCCGGGGA-3'